The following is an entry in ClinVar:

NM_000238.4(KCNH2):c.2677A>C (p.Arg893=)

Gene: KCNH2 (potassium voltage-gated channel subfamily H member 2; minus strand). Cytogenetic location: 7q36.1.
Variant type: single nucleotide variant.
Coding change: c.2677A>C on transcript NM_000238.4 (MANE Select); coding-DNA position 2677, A replaced by C.
Protein change: p.Arg893=; no amino-acid change (arginine 893 retained).
Molecular consequence: synonymous variant. On other transcripts: non-coding transcript variant (2).
Genome position (GRCh38, 1-based): chr7:150,948,459, T>G on the plus strand (A>C on the coding strand, the complement: KCNH2 is on the minus strand). VCF-style: chr7-150948459-T-G. GRCh37 (hg19) VCF-style: chr7-150645547-T-G.
Other names: c.2389A>C, p.Arg797= (NM_001406753.1); c.1657A>C, p.Arg553= (NM_172057.3).
Identifiers: ClinVar variation 2987344 (VCV002987344.4), dbSNP rs1801005207, ClinGen allele CA458644976.
Genomic context (GRCh38, chr7:150,948,459, plus strand): 5'-TCACCTTGTCCCCGCCCTCCCCCTTCCTCCCCTCCCCCGCCTCACCCTTGTCCGTGCGCC[T>G]GCGGAAGGACAACTTGCGCTTGCGTTGCCGACTGAAGCCACCCTCTAACTCCGTACTGCC-3'
Protein context (NP_000229.1, residues 883-903): RQRKRKLSFR[Arg893=]RTDKDTEQPG

ClinVar aggregate classification (germline): Likely benign. Review status: criteria provided, multiple submitters, no conflicts (2 of 4 stars). 2 submissions from 2 submitters: Likely benign (2). Last evaluated 2024-10-18.

Conditions:
Long QT syndrome (LQTS). Identifiers: MedGen C0023976, MeSH D008133, MONDO:0002442. Disease mechanism: loss of function. Inheritance: Various modes of inheritance.

Allele frequency attached by ClinVar (database versions not stated): TOPMed below 0.00001; gnomAD 0.00001.
gnomAD v4.1: 1 of 1,349,234 alleles (0.000074%); highest among the groups gnomAD compares: Non-Finnish European, 0.000099%; no homozygotes.

Submissions (2):

Labcorp Genetics (formerly Invitae), Labcorp
Classification: Likely benign for Long QT syndrome. Last evaluated: 2024-10-18. Review status: criteria provided, single submitter. Criteria: Invitae Variant Classification Sherloc (09022015). Collection method: clinical testing. Allele origin: germline.

All of Us Research Program, National Institutes of Health
Classification: Likely benign for Long QT syndrome. Last evaluated: 2023-03-23. Review status: criteria provided, single submitter. Criteria: ACMG Guidelines, 2015. Collection method: clinical testing. Allele origin: germline. Inheritance: Autosomal dominant inheritance. Observed: 1 variant allele, 1 heterozygote.
Comment: This study involves interpretation of variants in research participants for the purpose of population health screening. Participant phenotype was not available at the time of variant classification. Additional details can be found in publication PMID: 35346344, PMCID: PMC8962531